The following is an entry in ClinVar:

NM_020911.2(PLXNA4):c.2635C>A (p.Arg879=)

Gene: PLXNA4 (plexin A4; minus strand). Cytogenetic location: 7q32.3.
Variant type: single nucleotide variant.
Coding change: c.2635C>A on transcript NM_020911.2 (MANE Select); coding-DNA position 2635, C replaced by A.
Protein change: p.Arg879=; no amino-acid change (arginine 879 retained).
Molecular consequence: synonymous variant.
Genome position (GRCh38, 1-based): chr7:132,198,588, G>T on the plus strand (C>A on the coding strand, the complement: PLXNA4 is on the minus strand). VCF-style: chr7-132198588-G-T. GRCh37 (hg19) VCF-style: chr7-131883347-G-T.
Other names: c.2635C>A, p.Arg879= (NM_001393897.1).
Identifiers: ClinVar variation 3036158 (VCV003036158.2), dbSNP rs200842176, ClinGen allele CA4489748.

ClinVar aggregate classification (germline): Likely benign (0 of 4 stars; one submission).

Conditions:
PLXNA4-related disorder. Also called: PLXNA4-related condition.

Allele frequency attached by ClinVar (database versions not stated): ExAC 0.00015; 1000 Genomes Project 30x 0.00031; 1000 Genomes Project 0.00040; TOPMed 0.00040; gnomAD 0.00041; ESP Exome Variant Server 0.00075.
gnomAD v4.1: 107 of 1,614,236 alleles (0.0066%); highest among the groups gnomAD compares: African/African-American, 0.14%; no homozygotes.

Submission:

PreventionGenetics, part of Exact Sciences
Classification: Likely benign for PLXNA4-related condition. Last evaluated: 2021-06-28. Review status: no assertion criteria provided. Collection method: clinical testing. Allele origin: germline.
Comment: This variant is classified as likely benign based on ACMG/AMP sequence variant interpretation guidelines (Richards et al. 2015 PMID: 25741868, with internal and published modifications).